The following is an entry in ClinVar:

NM_000748.3(CHRNB2):c.626C>T (p.Pro209Leu)

Gene: CHRNB2 (cholinergic receptor nicotinic beta 2 subunit; plus strand). Cytogenetic location: 1q21.3.
Variant type: single nucleotide variant.
Coding change: c.626C>T on transcript NM_000748.3 (MANE Select); coding-DNA position 626, C replaced by T.
Protein change: p.Pro209Leu; replaces proline 209 with leucine.
Molecular consequence: missense variant.
Genome position (GRCh38, 1-based): chr1:154,571,449, C>T. VCF-style: chr1-154571449-C-T. GRCh37 (hg19) VCF-style: chr1-154543925-C-T.
Other names: short protein forms P209L.
Identifiers: ClinVar variation 2917952 (VCV002917952.3), dbSNP rs766963094, ClinGen allele CA30834265.

ClinVar aggregate classification (germline): Uncertain significance (1 of 4 stars; one submission).

Conditions:
Familial sleep-related hypermotor epilepsy. Also called: Autosomal Dominant Sleep-Related Hypermotor (Hyperkinetic) Epilepsy. Identifiers: Orphanet 98784, MedGen C3696898, MONDO:0000030.

Allele frequency attached by ClinVar (database versions not stated): TOPMed 0.00001.
gnomAD v4.1: 3 of 1,614,114 alleles (0.00019%); highest among the groups gnomAD compares: Non-Finnish European, 0.000085%; no homozygotes.

Submission:

Labcorp Genetics (formerly Invitae), Labcorp
Classification: Uncertain significance. Last evaluated: 2024-02-05. Review status: criteria provided, single submitter. Criteria: Invitae Variant Classification Sherloc (09022015). Collection method: clinical testing. Allele origin: germline.
Comment: This sequence change replaces proline, which is neutral and non-polar, with leucine, which is neutral and non-polar, at codon 209 of the CHRNB2 protein (p.Pro209Leu). This variant is not present in population databases (gnomAD no frequency). This variant has not been reported in the literature in individuals affected with CHRNB2-related conditions. Advanced modeling of protein sequence and biophysical properties (such as structural, functional, and spatial information, amino acid conservation, physicochemical variation, residue mobility, and thermodynamic stability) has been performed at Invitae for this missense variant, however the output from this modeling did not meet the statistical confidence thresholds required to predict the impact of this variant on CHRNB2 protein function. In summary, the available evidence is currently insufficient to determine the role of this variant in disease. Therefore, it has been classified as a Variant of Uncertain Significance.